The following is an entry in ClinVar:

NM_004655.4(AXIN2):c.581A>G (p.Asp194Gly)

Gene: AXIN2 (axin 2; minus strand). Cytogenetic location: 17q24.1.
Variant type: single nucleotide variant.
Coding change: c.581A>G on transcript NM_004655.4 (MANE Select); coding-DNA position 581, A replaced by G.
Protein change: p.Asp194Gly; replaces aspartic acid 194 with glycine.
Molecular consequence: missense variant.
Genome position (GRCh38, 1-based): chr17:65,558,040, T>C on the plus strand (A>G on the coding strand, the complement: AXIN2 is on the minus strand). VCF-style: chr17-65558040-T-C. GRCh37 (hg19) VCF-style: chr17-63554158-T-C.
Other names: c.581A>G, p.Asp194Gly (NM_001363813.1); short protein forms D194G.
Identifiers: ClinVar variation 853399 (VCV000853399.11), dbSNP rs2044297845, ClinGen allele CA400680802.
Genomic context (GRCh38, chr17:65,558,040, plus strand): 5'-CCCCCATTACTCATGTAAGCTGTGTTTTCTCCCCCACTCCTCACATATTCGAGGTATATA[T>C]CAGAAGTCAAAAACATCTGGTAGGCATTTTCCTCCATCACCGACTGGATCTCGGTCTGCG-3'
Protein context (NP_004646.3, residues 184-204): ENAYQMFLTS[Asp194Gly]IYLEYVRSGG

ClinVar aggregate classification (germline): Uncertain significance. Review status: criteria provided, multiple submitters, no conflicts (2 of 4 stars). 2 submissions from 2 submitters: Uncertain significance (2). Last evaluated 2026-01-08.

Conditions:
Oligodontia-cancer predisposition syndrome. Also called: TOOTH AGENESIS-COLORECTAL CANCER SYNDROME. Identifiers: Orphanet 300576, MedGen C1837750, MONDO:0012075, OMIM 608615. Disease mechanism: loss of function.
Hereditary cancer-predisposing syndrome. Also called: Neoplastic Syndromes, Hereditary; Hereditary Cancer Syndrome; Tumor predisposition; Hereditary neoplastic syndrome. Identifiers: Orphanet 140162, MedGen C0027672, MeSH D009386, MONDO:0015356.

Allele frequency attached by ClinVar (database versions not stated): gnomAD exomes below 0.00001.
gnomAD v4.1: 1 of 1,614,082 alleles (0.000062%); highest among the groups gnomAD compares: East Asian, 0.0022%; no homozygotes.

Submissions (2):

Labcorp Genetics (formerly Invitae), Labcorp
Classification: Uncertain significance for Oligodontia-cancer predisposition syndrome. Last evaluated: 2026-01-08. Review status: criteria provided, single submitter. Criteria: Invitae Variant Classification Sherloc (09022015). Collection method: clinical testing. Allele origin: germline.
Comment: This sequence change replaces aspartic acid, which is acidic and polar, with glycine, which is neutral and non-polar, at codon 194 of the AXIN2 protein (p.Asp194Gly). This variant is not present in population databases (gnomAD no frequency). This variant has not been reported in the literature in individuals affected with AXIN2-related conditions. ClinVar contains an entry for this variant (Variation ID: 853399). Invitae Evidence Modeling of protein sequence and biophysical properties (such as structural, functional, and spatial information, amino acid conservation, physicochemical variation, residue mobility, and thermodynamic stability) has been performed for this missense variant. However, the output from this modeling did not meet the statistical confidence thresholds required to predict the impact of this variant on AXIN2 protein function. In summary, the available evidence is currently insufficient to determine the role of this variant in disease. Therefore, it has been classified as a Variant of Uncertain Significance.

Ambry Genetics
Classification: Uncertain significance for Hereditary cancer-predisposing syndrome. Last evaluated: 2024-08-18. Review status: criteria provided, single submitter. Criteria: Ambry Variant Classification Scheme 2023. Collection method: clinical testing. Allele origin: germline.
Comment: The p.D194G variant (also known as c.581A>G), located in coding exon 1 of the AXIN2 gene, results from an A to G substitution at nucleotide position 581. The aspartic acid at codon 194 is replaced by glycine, an amino acid with similar properties. This amino acid position is conserved. In addition, this alteration is predicted to be deleterious by in silico analysis. Since supporting evidence is limited at this time, the clinical significance of this alteration remains unclear.